The following is an entry in ClinVar:

NM_001035.3(RYR2):c.1358G>C (p.Ser453Thr)

Gene: RYR2 (ryanodine receptor 2; plus strand). Cytogenetic location: 1q43.
Variant type: single nucleotide variant.
Coding change: c.1358G>C on transcript NM_001035.3 (MANE Select); coding-DNA position 1358, G replaced by C.
Protein change: p.Ser453Thr; replaces serine 453 with threonine.
Molecular consequence: missense variant.
Genome position (GRCh38, 1-based): chr1:237,454,456, G>C. VCF-style: chr1-237454456-G-C. GRCh37 (hg19) VCF-style: chr1-237617756-G-C.
Other names: short protein forms S453T.
Identifiers: ClinVar variation 925294 (VCV000925294.14), dbSNP rs761911597, ClinGen allele CA085420.

ClinVar aggregate classification (germline): Uncertain significance. Review status: criteria provided, multiple submitters, no conflicts (2 of 4 stars). 5 submissions from 5 submitters: Uncertain significance (5). Last evaluated 2025-10-30.

Conditions:
Cardiovascular phenotype. Identifiers: MedGen CN230736.
Catecholaminergic polymorphic ventricular tachycardia (CVPT). Also called: Catecholamine-induced polymorphic ventricular tachycardia. Identifiers: Orphanet 3286, MedGen C5574922, MONDO:0017990.
Cardiomyopathy (CMYO). Also called: Cardiomyopathies. Identifiers: Orphanet 167848, MedGen C0878544, MONDO:0004994, HP:0001638. Inheritance: Various modes of inheritance.
Catecholaminergic polymorphic ventricular tachycardia 1. Also called: VENTRICULAR TACHYCARDIA, CATECHOLAMINERGIC POLYMORPHIC, 1, WITH OR WITHOUT ATRIAL DYSFUNCTION AND/OR DILATED CARDIOMYOPATHY; RYR2-Related Catecholaminergic Polymorphic Ventricular Tachycardia; VENTRICULAR TACHYCARDIA, STRESS-INDUCED POLYMORPHIC 1. Identifiers: Orphanet 3286, MedGen C1631597, MONDO:0011484, OMIM 604772.

Allele frequency attached by ClinVar (database versions not stated): TOPMed 0.00001; gnomAD exomes 0.00004; ExAC 0.00007.
gnomAD v4.1: 38 of 1,613,490 alleles (0.0024%); highest among the groups gnomAD compares: Non-Finnish European, 0.0031%; no homozygotes.

Submissions (5):

Ambry Genetics
Classification: Uncertain significance for Cardiovascular phenotype. Last evaluated: 2025-10-30. Review status: criteria provided, single submitter. Criteria: Ambry Variant Classification Scheme 2023. Collection method: clinical testing. Allele origin: germline.
Comment: The p.S453T variant (also known as c.1358G>C), located in coding exon 15 of the RYR2 gene, results from a G to C substitution at nucleotide position 1358. The serine at codon 453 is replaced by threonine, an amino acid with similar properties. This variant has been detected in an individual with sudden unexplained death, and in an individual with left ventricular hypertrabeculation (Christiansen SL et al. Eur J Hum Genet, 2016 Dec;24:1797-1802; Miszalski-Jamka K et al. Circ Cardiovasc Genet, 2017 Aug;10). This amino acid position is well conserved in available vertebrate species. In addition, this alteration is predicted to be tolerated by in silico analysis. Based on the available evidence, the clinical significance of this variant remains unclear.

All of Us Research Program, National Institutes of Health
Classification: Uncertain significance for Catecholaminergic polymorphic ventricular tachycardia. Last evaluated: 2024-03-24. Review status: criteria provided, single submitter. Criteria: ACMG Guidelines, 2015. Collection method: clinical testing. Allele origin: germline. Inheritance: Autosomal dominant inheritance. Observed: 2 variant alleles, 2 heterozygotes.
Comment: This missense variant replaces serine with threonine at codon 453 of the RYR2 protein. Computational prediction suggests that this variant may not impact protein structure and function (internally defined REVEL score threshold <= 0.5, PMID: 27666373). To our knowledge, functional studies have not been reported for this variant. This variant has been reported in an individual affected with sudden unexplained death (PMID: 27650965) and in another individual affected with left ventricular hypertrabeculation (PMID: 28798025). This variant has been identified in 10/280026 chromosomes in the general population by the Genome Aggregation Database (gnomAD). The available evidence is insufficient to determine the role of this variant in disease conclusively. Therefore, this variant is classified as a Variant of Uncertain Significance.

This study involves interpretation of variants in research participants for the purpose of population health screening. Participant phenotype was not available at the time of variant classification. Additional details can be found in publication PMID: 35346344, PMCID: PMC8962531

Color Diagnostics, LLC DBA Color Health
Classification: Uncertain significance for Cardiomyopathy. Last evaluated: 2024-03-13. Review status: criteria provided, single submitter. Criteria: ACMG Guidelines, 2015. Collection method: clinical testing. Allele origin: germline.
Comment: This missense variant replaces serine with threonine at codon 453 of the RYR2 protein. Computational prediction suggests that this variant may not impact protein structure and function (internally defined REVEL score threshold <= 0.5, PMID: 27666373). To our knowledge, functional studies have not been reported for this variant. This variant has been reported in an individual affected with sudden unexplained death (PMID: 27650965) and in another individual affected with left ventricular hypertrabeculation (PMID: 28798025). This variant has been identified in 10/280026 chromosomes in the general population by the Genome Aggregation Database (gnomAD). The available evidence is insufficient to determine the role of this variant in disease conclusively. Therefore, this variant is classified as a Variant of Uncertain Significance.

Clinical Genetics Laboratory, Skane University Hospital Lund
Classification: Uncertain significance. Last evaluated: 2023-06-15. Review status: criteria provided, single submitter. Criteria: ACMG Guidelines, 2015. Collection method: clinical testing. Allele origin: germline. Affected: yes.

Labcorp Genetics (formerly Invitae), Labcorp
Classification: Uncertain significance for Catecholaminergic polymorphic ventricular tachycardia 1. Last evaluated: 2022-09-10. Review status: criteria provided, single submitter. Criteria: Invitae Variant Classification Sherloc (09022015). Collection method: clinical testing. Allele origin: germline.
Comment: This sequence change replaces serine, which is neutral and polar, with threonine, which is neutral and polar, at codon 453 of the RYR2 protein (p.Ser453Thr). This variant is present in population databases (rs761911597, gnomAD 0.008%). This missense change has been observed in individual(s) with sudden unexplained death and in an individual with left ventricular hypertrabeculation (PMID: 27650965, 28798025). ClinVar contains an entry for this variant (Variation ID: 925294). Advanced modeling of protein sequence and biophysical properties (such as structural, functional, and spatial information, amino acid conservation, physicochemical variation, residue mobility, and thermodynamic stability) performed at Invitae indicates that this missense variant is not expected to disrupt RYR2 protein function. In summary, the available evidence is currently insufficient to determine the role of this variant in disease. Therefore, it has been classified as a Variant of Uncertain Significance.

Literature cited by the submitters: PubMed 27650965 (cited by 4 submitters); PubMed 28798025 (cited by 4 submitters).